The following is an entry in ClinVar:

ClinVar aggregate classification (germline): Uncertain significance (1 of 4 stars; one submission).

Conditions:
Long QT syndrome (LQTS). Identifiers: MedGen C0023976, MeSH D008133, MONDO:0002442. Disease mechanism: loss of function. Inheritance: Various modes of inheritance.

Submission:

Labcorp Genetics (formerly Invitae), Labcorp
Classification: Uncertain significance for Long QT syndrome. Last evaluated: 2023-06-17. Review status: criteria provided, single submitter. Criteria: Invitae Variant Classification Sherloc (09022015). Collection method: clinical testing. Allele origin: germline.
Comment: In summary, the available evidence is currently insufficient to determine the role of this variant in disease. Therefore, it has been classified as a Variant of Uncertain Significance. Experimental studies and prediction algorithms are not available or were not evaluated, and the functional significance of this variant is currently unknown. This variant has not been reported in the literature in individuals affected with CACNA1C-related conditions. This variant is a gross deletion of the genomic region encompassing exon(s) 44-47 of the CACNA1C gene, which includes the termination codon. This deletion extends beyond the assayed region for this gene and therefore may encompass additional genes. While this deletion is not anticipated to lead to nonsense mediated decay, it is expected to alter mRNA translation or result in a truncated protein product.

NC_000012.11:g.(?_2794882)_(2800365_?)del

Gene: CACNA1C (calcium voltage-gated channel subunit alpha1 C; plus strand). Cytogenetic location: 12p13.33.
Variant type: Deletion.
Identifiers: ClinVar variation 1439075 (VCV001439075.6).